The following is an entry in ClinVar:

NM_001271938.2(MEGF8):c.5257C>T (p.Arg1753Trp)

Gene: MEGF8 (multiple EGF like domains 8; plus strand). Cytogenetic location: 19q13.2.
Variant type: single nucleotide variant.
Coding change: c.5257C>T on transcript NM_001271938.2 (MANE Select); coding-DNA position 5257, C replaced by T.
Protein change: p.Arg1753Trp; replaces arginine 1753 with tryptophan.
Molecular consequence: missense variant.
Genome position (GRCh38, 1-based): chr19:42,358,868, C>T. VCF-style: chr19-42358868-C-T. GRCh37 (hg19) VCF-style: chr19-42863020-C-T.
Other names: c.5056C>T, p.Arg1686Trp (NM_001410.3); c.5056C>T (NM_001410.2); short protein forms R1753W, R1686W.
Identifiers: ClinVar variation 1411679 (VCV001411679.8), dbSNP rs139859934, ClinGen allele CA9475504.

ClinVar aggregate classification (germline): Conflicting classifications of pathogenicity. Review status: criteria provided, conflicting classifications (1 of 4 stars). 2 submissions from 2 submitters: Uncertain significance (1); Likely benign (1). Last evaluated 2025-08-20.

Conditions:
Inborn genetic diseases. Identifiers: MedGen C0950123, MeSH D030342.
MEGF8-related Carpenter syndrome. Also called: Carpenter syndrome 2. Identifiers: Orphanet 65759, MedGen C3554247, MONDO:0013998, OMIM 614976.

Allele frequency attached by ClinVar (database versions not stated): gnomAD 0.00005 and 0.00007; gnomAD exomes 0.00005 and 0.00008; ExAC 0.00008; TOPMed 0.00008; ESP Exome Variant Server 0.00015; 1000 Genomes Project 30x 0.00031; 1000 Genomes Project 0.00040.
gnomAD v4.1: 127 of 1,609,984 alleles (0.0079%); highest among the groups gnomAD compares: East Asian, 0.13%; 1 homozygote.

Submissions (2):

Ambry Genetics
Classification: Likely benign for Inborn genetic diseases. Last evaluated: 2025-08-20. Review status: criteria provided, single submitter. Criteria: Ambry Variant Classification Scheme 2023. Collection method: clinical testing. Allele origin: germline.

Labcorp Genetics (formerly Invitae), Labcorp
Classification: Uncertain significance for MEGF8-related Carpenter syndrome. Last evaluated: 2024-09-06. Review status: criteria provided, single submitter. Criteria: Invitae Variant Classification Sherloc (09022015). Collection method: clinical testing. Allele origin: germline.
Comment: This sequence change replaces arginine, which is basic and polar, with tryptophan, which is neutral and slightly polar, at codon 1686 of the MEGF8 protein (p.Arg1686Trp). This variant is present in population databases (rs139859934, gnomAD 0.01%). This variant has not been reported in the literature in individuals affected with MEGF8-related conditions. ClinVar contains an entry for this variant (Variation ID: 1411679). An algorithm developed to predict the effect of missense changes on protein structure and function outputs the following: PolyPhen-2: "Benign". The tryptophan amino acid residue is found in multiple mammalian species, which suggests that this missense change does not adversely affect protein function. In summary, the available evidence is currently insufficient to determine the role of this variant in disease. Therefore, it has been classified as a Variant of Uncertain Significance.